The following is an entry in ClinVar:

ClinVar aggregate classification (germline): Uncertain significance (1 of 4 stars; one submission).

Conditions:
Familial thoracic aortic aneurysm and aortic dissection (TAAD). Also called: Thoracic aortic aneurysms and dissections. Identifiers: Orphanet 91387, MedGen C4707243, MONDO:0019625.

Submission:

Labcorp Genetics (formerly Invitae), Labcorp
Classification: Uncertain significance for Familial thoracic aortic aneurysm and aortic dissection. Last evaluated: 2022-09-04. Review status: criteria provided, single submitter. Criteria: Invitae Variant Classification Sherloc (09022015). Collection method: clinical testing. Allele origin: germline.
Comment: In summary, the available evidence is currently insufficient to determine the role of this variant in disease. Therefore, it has been classified as a Variant of Uncertain Significance. Advanced modeling of protein sequence and biophysical properties (such as structural, functional, and spatial information, amino acid conservation, physicochemical variation, residue mobility, and thermodynamic stability) performed at Invitae indicates that this missense variant is not expected to disrupt TGFBR1 protein function. This variant has not been reported in the literature in individuals affected with TGFBR1-related conditions. This variant is not present in population databases (gnomAD no frequency). This sequence change replaces leucine, which is neutral and non-polar, with phenylalanine, which is neutral and non-polar, at codon 111 of the TGFBR1 protein (p.Leu111Phe).

NM_004612.4(TGFBR1):c.331C>T (p.Leu111Phe)

Gene: TGFBR1 (transforming growth factor beta receptor 1; plus strand). Cytogenetic location: 9q22.33.
Variant type: single nucleotide variant.
Coding change: c.331C>T on transcript NM_004612.4 (MANE Select); coding-DNA position 331, C replaced by T.
Protein change: p.Leu111Phe; replaces leucine 111 with phenylalanine.
Molecular consequence: missense variant.
Genome position (GRCh38, 1-based): chr9:99,129,088, C>T. VCF-style: chr9-99129088-C-T. GRCh37 (hg19) VCF-style: chr9-101891370-C-T.
Other names: c.124C>T, p.Leu42Phe (NM_001407430.1, NM_001407432.1, NM_001407433.1 and 12 more transcripts); c.331C>T, p.Leu111Phe (NM_001407435.1, NM_001130916.3, NM_001306210.2 and 2 more transcripts); short protein forms L111F, L42F.
Identifiers: ClinVar variation 2102389 (VCV002102389.4), dbSNP rs1244225435, ClinGen allele CA374226495.